The following is an entry in ClinVar:

ClinVar aggregate classification (germline): Conflicting classifications of pathogenicity. Review status: criteria provided, conflicting classifications (1 of 4 stars). 2 submissions from 2 submitters: Uncertain significance (1); Likely benign (1). Last evaluated 2025-05-02.

Conditions:
Inborn genetic diseases. Identifiers: MedGen C0950123, MeSH D030342.

Submissions (2):

Labcorp Genetics (formerly Invitae), Labcorp
Classification: Uncertain significance. Last evaluated: 2025-05-02. Review status: criteria provided, single submitter. Criteria: Invitae Variant Classification Sherloc (09022015). Collection method: clinical testing. Allele origin: germline.
Comment: This variant, c.868_876del, results in the deletion of 3 amino acid(s) of the KMT2B protein (p.Gly292_Gly294del), but otherwise preserves the integrity of the reading frame. This variant is present in population databases (rs767997887, gnomAD 0.06%), and has an allele count higher than expected for a pathogenic variant. This variant has not been reported in the literature in individuals affected with KMT2B-related conditions. Experimental studies and prediction algorithms are not available or were not evaluated, and the functional significance of this variant is currently unknown. In summary, the available evidence is currently insufficient to determine the role of this variant in disease. Therefore, it has been classified as a Variant of Uncertain Significance.

Ambry Genetics
Classification: Likely benign for Inborn genetic diseases. Last evaluated: 2022-05-05. Review status: criteria provided, single submitter. Criteria: Ambry Variant Classification Scheme 2023. Collection method: clinical testing. Allele origin: germline.

NM_014727.3(KMT2B):c.859CGTGGAGGC[1] (p.289GRG[1])

Gene: KMT2B (lysine methyltransferase 2B; plus strand). Cytogenetic location: 19q13.12.
Variant type: Microsatellite.
Coding change: c.859CGTGGAGGC[1] on transcript NM_014727.3 (MANE Select); one copy of the 9-base unit CGTGGAGGC starting at c.859; the reference has two copies in a row; one copy, 9 bases deleted.
Protein change: p.289GRG[1].
Molecular consequence: inframe deletion.
Genome position (GRCh38, 1-based): chr19:35,720,215-35,720,223, CGTGGAGGC deleted; deleting any 9 consecutive bases within chr19:35,720,204-35,720,223 gives the same sequence; the position shown is the placement nearest the transcript's 3' end. VCF-style (leftmost placement, unchanged base first): chr19-35720203-AGCCGTGGAG-A. GRCh37 (hg19) VCF-style: chr19-36211105-AGCCGTGGAG-A.
Identifiers: ClinVar variation 2389799 (VCV002389799.5), dbSNP rs767997887, ClinGen allele CA9384128.